The following is an entry in ClinVar:

NM_001148.6(ANK2):c.8377C>A (p.Leu2793Ile)

Gene: ANK2 (ankyrin 2; plus strand). Cytogenetic location: 4q26.
Variant type: single nucleotide variant.
Coding change: c.8377C>A on transcript NM_001148.6 (MANE Select); coding-DNA position 8377, C replaced by A.
Protein change: p.Leu2793Ile; replaces leucine 2793 with isoleucine.
Molecular consequence: missense variant. On other transcripts: intron variant (68).
Genome position (GRCh38, 1-based): chr4:113,356,995, C>A. VCF-style: chr4-113356995-C-A. GRCh37 (hg19) VCF-style: chr4-114278151-C-A.
Other names: c.8143C>A, p.Leu2715Ile (NM_001386142.1); c.4777C>A, p.Leu1593Ile (NM_001386166.1); c.8518C>A, p.Leu2840Ile (NM_001386174.1); c.8494C>A, p.Leu2832Ile (NM_001386175.1); c.4412-3828C>A (NM_001386186.2, NM_001386148.2); c.4214-3828C>A (NM_001354269.3); c.4292-3828C>A (NM_001386187.2); c.4253-3828C>A (NM_001386147.1); and 35 more; short protein forms L1593I, L2715I, L2793I, L2832I, L2840I.
Identifiers: ClinVar variation 1056011 (VCV001056011.5), dbSNP rs774268252, ClinGen allele CA357933925.
Genomic context (GRCh38, chr4:113,356,995, plus strand): 5'-GATGGCCATGGATGTGAGGCCATGAGTCCTAGCAGCTCAGCTGCTCCTGTCTCTTCAGGT[C>A]TACAGAGTCCGACTGGTGATGATGTTGATGAACAGCCAGTCATCTATAAAGAATCATTAG-3'
Protein context (NP_001139.3, residues 2783-2803): SSSAAPVSSG[Leu2793Ile]QSPTGDDVDE

ClinVar aggregate classification (germline): Uncertain significance (1 of 4 stars; one submission).

Conditions:
Long QT syndrome (LQTS). Identifiers: MedGen C0023976, MeSH D008133, MONDO:0002442. Disease mechanism: loss of function. Inheritance: Various modes of inheritance.

gnomAD v4.1: 4 of 1,614,006 alleles (0.00025%); highest among the groups gnomAD compares: Non-Finnish European, 0.00034%; no homozygotes.

Submission:

Labcorp Genetics (formerly Invitae), Labcorp
Classification: Uncertain significance for Long QT syndrome. Last evaluated: 2025-02-06. Review status: criteria provided, single submitter. Criteria: Invitae Variant Classification Sherloc (09022015). Collection method: clinical testing. Allele origin: germline.
Comment: This sequence change replaces leucine, which is neutral and non-polar, with isoleucine, which is neutral and non-polar, at codon 2793 of the ANK2 protein (p.Leu2793Ile). This variant is present in population databases (no rsID available, gnomAD 0.0009%). This variant has not been reported in the literature in individuals affected with ANK2-related conditions. ClinVar contains an entry for this variant (Variation ID: 1056011). An algorithm developed to predict the effect of missense changes on protein structure and function outputs the following: PolyPhen-2: "Benign". The isoleucine amino acid residue is found in multiple mammalian species, which suggests that this missense change does not adversely affect protein function. In summary, the available evidence is currently insufficient to determine the role of this variant in disease. Therefore, it has been classified as a Variant of Uncertain Significance.